The following is an entry in ClinVar:

ClinVar aggregate classification (germline): Uncertain significance (1 of 4 stars; one submission).

Conditions:
Chédiak-Higashi syndrome (CHS). Also called: Chediak-Higashi Syndrome. Identifiers: Orphanet 167, MedGen C0007965, MONDO:0008963, OMIM 214500.

Allele frequency attached by ClinVar (database versions not stated): gnomAD exomes below 0.00001.
gnomAD v4.1: 1 of 1,610,980 alleles (0.000062%); highest among the groups gnomAD compares: African/African-American, 0.0013%; no homozygotes.

Submission:

Labcorp Genetics (formerly Invitae), Labcorp
Classification: Uncertain significance for Chédiak-Higashi syndrome. Last evaluated: 2022-08-23. Review status: criteria provided, single submitter. Criteria: Invitae Variant Classification Sherloc (09022015). Collection method: clinical testing. Allele origin: germline.
Comment: In summary, the available evidence is currently insufficient to determine the role of this variant in disease. Therefore, it has been classified as a Variant of Uncertain Significance. Algorithms developed to predict the effect of sequence changes on RNA splicing suggest that this variant may create or strengthen a splice site. This variant has not been reported in the literature in individuals affected with LYST-related conditions. This variant is not present in population databases (gnomAD no frequency). This sequence change affects codon 2795 of the LYST mRNA. It is a 'silent' change, meaning that it does not change the encoded amino acid sequence of the LYST protein.

NM_000081.4(LYST):c.8385G>A (p.Leu2795=)

Gene: LYST (lysosomal trafficking regulator; minus strand). Cytogenetic location: 1q42.3.
Variant type: single nucleotide variant.
Coding change: c.8385G>A on transcript NM_000081.4 (MANE Select); coding-DNA position 8385, G replaced by A.
Protein change: p.Leu2795=; no amino-acid change (leucine 2795 retained).
Molecular consequence: synonymous variant.
Genome position (GRCh38, 1-based): chr1:235,734,633, C>T on the plus strand (G>A on the coding strand, the complement: LYST is on the minus strand). VCF-style: chr1-235734633-C-T. GRCh37 (hg19) VCF-style: chr1-235897933-C-T.
Other names: c.8385G>A, p.Leu2795= (NM_001301365.1).
Identifiers: ClinVar variation 2125107 (VCV002125107.4), dbSNP rs2527560335, ClinGen allele CA423767235.